The following is an entry in ClinVar:

NM_004036.5(ADCY3):c.956+8G>A

Gene: ADCY3 (adenylate cyclase 3; minus strand). Cytogenetic location: 2p23.3.
Variant type: single nucleotide variant.
Coding change: c.956+8G>A on transcript NM_004036.5 (MANE Select); 8 bases into the intron after coding-DNA position 956, G replaced by A.
Molecular consequence: intron variant.
Genome position (GRCh38, 1-based): chr2:24,842,246, C>T on the plus strand (G>A on the coding strand, the complement: ADCY3 is on the minus strand). VCF-style: chr2-24842246-C-T. GRCh37 (hg19) VCF-style: chr2-25065115-C-T.
Other names: c.956+8G>A (NM_001377130.1, NM_001377129.1, NM_001320613.2 and 2 more transcripts); c.233+8G>A (NM_001377131.1).
Identifiers: ClinVar variation 4990778 (VCV004990778.1).

ClinVar aggregate classification (germline): Likely benign (1 of 4 stars; one submission).

Conditions:
ADCY3-related disorder. Also called: ADCY3-related condition.

gnomAD v4.1: 27 of 1,613,846 alleles (0.0017%); highest among the groups gnomAD compares: African/African-American, 0.012%; no homozygotes.

Submission:

PreventionGenetics, part of Exact Sciences
Classification: Likely benign for ADCY3-related condition. Last evaluated: 2026-07-09. Review status: criteria provided, single submitter. Criteria: ACMG Guidelines, 2015. Collection method: clinical testing. Allele origin: germline.
Comment: This variant is classified as likely benign based on ACMG/AMP sequence variant interpretation guidelines (Richards et al. 2015 PMID: 25741868, with internal and published modifications).